The following is an entry in ClinVar:

ClinVar aggregate classification (germline): Likely benign. Review status: criteria provided, multiple submitters, no conflicts (2 of 4 stars). 2 submissions from 2 submitters: Likely benign (2). Last evaluated 2025-10-11.

Conditions:
Episodic ataxia type 2 (EA2). Also called: ATAXIA, EPISODIC, WITH NYSTAGMUS; ATAXIA, FAMILIAL PAROXYSMAL; CEREBELLAR ATAXIA, PAROXYSMAL, ACETAZOLAMIDE-RESPONSIVE; CEREBELLOPATHY, HEREDITARY PAROXYSMAL; EPISODIC ATAXIA, NYSTAGMUS-ASSOCIATED; ACETAZOLAMIDE-RESPONSIVE HEREDITARY PAROXYSMAL CEREBELLAR ATAXIA. Identifiers: Orphanet 97, MedGen C1720416, MONDO:0007163, OMIM 108500.
Developmental and epileptic encephalopathy, 42 (DEE42A). Also called: EPILEPTIC ENCEPHALOPATHY, EARLY INFANTILE, 42A; DEVELOPMENTAL AND EPILEPTIC ENCEPHALOPATHY 42A; Epileptic encephalopathy, early infantile, 42. Identifiers: MedGen C4310716, MONDO:0014917, OMIM 617106.

gnomAD v4.1: 6 of 1,593,952 alleles (0.00038%); highest among the groups gnomAD compares: Admixed American, 0.0018%; no homozygotes.

Submissions (2):

Labcorp Genetics (formerly Invitae), Labcorp
Classification: Likely benign for Developmental and epileptic encephalopathy, 42; Episodic ataxia type 2. Last evaluated: 2025-10-11. Review status: criteria provided, single submitter. Criteria: Invitae Variant Classification Sherloc (09022015). Collection method: clinical testing. Allele origin: germline.

CeGaT Center for Human Genetics Tuebingen
Classification: Likely benign. Last evaluated: 2025-07-01. Review status: criteria provided, single submitter. Criteria: CeGaT Center For Human Genetics Tuebingen Variant Classification Criteria Version 2. Collection method: clinical testing. Allele origin: germline. Affected: yes. Observed: 1 variant allele.
Comment: CACNA1A: BP4, BP7

NM_001127222.2(CACNA1A):c.1635C>T (p.Tyr545=)

Gene: CACNA1A (calcium voltage-gated channel subunit alpha1 A; minus strand). Cytogenetic location: 19p13.13.
Variant type: single nucleotide variant.
Coding change: c.1635C>T on transcript NM_001127222.2 (MANE Select); coding-DNA position 1635, C replaced by T.
Protein change: p.Tyr545=; no amino-acid change (tyrosine 545 retained).
Molecular consequence: synonymous variant.
Genome position (GRCh38, 1-based): chr19:13,312,702, G>A on the plus strand (C>T on the coding strand, the complement: CACNA1A is on the minus strand). VCF-style: chr19-13312702-G-A. GRCh37 (hg19) VCF-style: chr19-13423516-G-A.
Other names: c.1638C>T, p.Tyr546= (NM_000068.4, NM_001127221.2, NM_001174080.2 and 1 more transcripts).
Identifiers: ClinVar variation 3752081 (VCV003752081.10).